The following is an entry in ClinVar:

NM_020436.5(SALL4):c.1113C>G (p.Val371=)

Gene: SALL4 (spalt like transcription factor 4; minus strand). Cytogenetic location: 20q13.2.
Variant type: single nucleotide variant.
Coding change: c.1113C>G on transcript NM_020436.5 (MANE Select); coding-DNA position 1113, C replaced by G.
Protein change: p.Val371=; no amino-acid change (valine 371 retained).
Molecular consequence: synonymous variant.
Genome position (GRCh38, 1-based): chr20:51,791,370, G>C on the plus strand (C>G on the coding strand, the complement: SALL4 is on the minus strand). VCF-style: chr20-51791370-G-C. GRCh37 (hg19) VCF-style: chr20-50407909-G-C.
Other names: c.1113C>G (NM_020436.4, LRG_675t1); c.1113C>G, p.Val371= (NM_001318031.2).
Identifiers: ClinVar variation 338776 (VCV000338776.11), dbSNP rs77810153, ClinGen allele CA9912341.

ClinVar aggregate classification (germline): Benign/Likely benign. Review status: criteria provided, multiple submitters, no conflicts (2 of 4 stars). 3 submissions from 3 submitters: Benign (1); Likely benign (1). 1 of the submissions does not count toward it. Last evaluated 2025-10-02.

Conditions:
Duane-radial ray syndrome (DRRS). Also called: ACRORENOOCULAR SYNDROME; DR SYNDROME; DUANE ANOMALY WITH RADIAL RAY ABNORMALITIES AND DEAFNESS; Duane-Radial Ray Syndrome/Okihiro Syndrome; Duane-Radial Ray Syndrome (DRRS) / Okihiro Syndrome; Okihiro Syndrome. Identifiers: Orphanet 93293, Orphanet 959, MedGen C1623209, MONDO:0011812, OMIM 607323. Disease mechanism: gain of function.
SALL4-Related Disorders. Also called: SALL4-related disorder; SALL4-related condition. Identifiers: MedGen CN381056.

Allele frequency attached by ClinVar (database versions not stated): gnomAD 0.00023; TOPMed 0.00025; gnomAD exomes 0.00037 and 0.00051; ESP Exome Variant Server 0.00038; ExAC 0.00082.
gnomAD v4.1: 586 of 1,614,090 alleles (0.036%); highest among the groups gnomAD compares: Non-Finnish European, 0.045%; 3 homozygotes.

Submissions (3):

Labcorp Genetics (formerly Invitae), Labcorp
Classification: Benign for Duane-radial ray syndrome. Last evaluated: 2025-10-02. Review status: criteria provided, single submitter. Criteria: Invitae Variant Classification Sherloc (09022015). Collection method: clinical testing. Allele origin: germline.

Blueprint Genetics
Classification: Likely benign. Last evaluated: 2024-09-11. Review status: criteria provided, single submitter. Criteria: ACMG Guidelines, 2015. Collection method: clinical testing. Allele origin: germline.

PreventionGenetics, part of Exact Sciences
Classification: Likely benign for SALL4-related condition. Last evaluated: 2021-03-08. Review status: no assertion criteria provided. Collection method: clinical testing. Allele origin: germline. Not counted in ClinVar's aggregate classification.
Comment: This variant is classified as likely benign based on ACMG/AMP sequence variant interpretation guidelines (Richards et al. 2015 PMID: 25741868, with internal and published modifications).